The following is an entry in ClinVar:

ClinVar aggregate classification (germline): Uncertain significance. Review status: criteria provided, multiple submitters, no conflicts (2 of 4 stars). 4 submissions from 3 submitters: Uncertain significance (4). Last evaluated 2023-06-28.

Conditions:
Hypobetalipoproteinemia. Identifiers: Orphanet 31154, MedGen C0020597, MONDO:0017774.
Familial hypercholesterolemia. Also called: Familial hypercholesterolemias; Familial hypercholesterolaemia. Identifiers: MedGen C0020445, MONDO:0005439.
Hypercholesterolemia, autosomal dominant, 3 (FHCL3). Also called: PCSK9-Related Familial Hypercholesterolemia, Autosomal Dominant; Familial hypercholesterolemia 3; Familial Hypercholesterolemia, Autosomal Dominant, 3. Identifiers: MedGen C1863551, MONDO:0011369, OMIM 603776.

Allele frequency attached by ClinVar (database versions not stated): gnomAD exomes below 0.00001; TOPMed below 0.00001; gnomAD 0.00001; ExAC 0.00003.
gnomAD v4.1: 6 of 1,542,056 alleles (0.00039%); highest among the groups gnomAD compares: Middle Eastern, 0.018%; no homozygotes.

Submissions (4):

All of Us Research Program, National Institutes of Health
Classification: Uncertain significance for Hypercholesterolemia, autosomal dominant, 3. Last evaluated: 2023-06-28. Review status: criteria provided, single submitter. Criteria: ACMG Guidelines, 2015. Collection method: clinical testing. Allele origin: germline. Inheritance: Autosomal dominant inheritance. Observed: 1 variant allele, 1 heterozygote.
Comment: This missense variant replaces arginine with tryptophan at codon 319 of the PCSK9 protein. Computational prediction tools and conservation analyses are inconclusive regarding the impact of this variant on protein function. Computational splicing tools suggest that this variant may not impact RNA splicing. To our knowledge, functional assays have not been performed for this variant nor has this variant been reported in individuals affected with familial hypercholesterolemia in the literature. This variant has not been identified in the general population by the Genome Aggregation Database (gnomAD). Available evidence is insufficient to determine the role of this variant in disease conclusively. Therefore, this variant is classified as a Variant of Uncertain Significance.

This study involves interpretation of variants in research participants for the purpose of population health screening. Participant phenotype was not available at the time of variant classification. Additional details can be found in publication PMID: 35346344, PMCID: PMC8962531

Color Diagnostics, LLC DBA Color Health
Classification: Uncertain significance for Familial hypercholesterolemia. Last evaluated: 2019-07-30. Review status: criteria provided, single submitter. Criteria: ACMG Guidelines, 2015. Collection method: clinical testing. Allele origin: germline.
Comment: This missense variant replaces arginine with tryptophan at codon 319 of the PCSK9 protein. Computational prediction tools and conservation analyses are inconclusive regarding the impact of this variant on protein function. Computational splicing tools suggest that this variant may not impact RNA splicing. To our knowledge, functional assays have not been performed for this variant nor has this variant been reported in individuals affected with familial hypercholesterolemia in the literature. This variant has not been identified in the general population by the Genome Aggregation Database (gnomAD). Available evidence is insufficient to determine the role of this variant in disease conclusively. Therefore, this variant is classified as a Variant of Uncertain Significance.

Illumina Laboratory Services, Illumina
Classification: Uncertain significance for Hypercholesterolemia, autosomal dominant, 3. Last evaluated: 2018-01-13. Review status: criteria provided, single submitter. Criteria: ICSL Variant Classification Criteria 13 December 2019. Collection method: clinical testing. Allele origin: germline.

Illumina Laboratory Services, Illumina
Classification: Uncertain significance for Hypobetalipoproteinemia. Last evaluated: 2018-01-13. Review status: criteria provided, single submitter. Criteria: ICSL Variant Classification Criteria 13 December 2019. Collection method: clinical testing. Allele origin: germline.

NM_174936.4(PCSK9):c.955C>T (p.Arg319Trp)

Gene: PCSK9 (proprotein convertase subtilisin/kexin type 9; plus strand). Cytogenetic location: 1p32.3.
Variant type: single nucleotide variant.
Coding change: c.955C>T on transcript NM_174936.4 (MANE Select); coding-DNA position 955, C replaced by T.
Protein change: p.Arg319Trp; replaces arginine 319 with tryptophan.
Molecular consequence: missense variant.
Genome position (GRCh38, 1-based): chr1:55,056,148, C>T. VCF-style: chr1-55056148-C-T. GRCh37 (hg19) VCF-style: chr1-55521821-C-T.
Other names: c.1078C>T, p.Arg360Trp (NM_001407240.1); c.955C>T, p.Arg319Trp (NM_001407241.1, NM_001407244.1, NM_001407247.1); c.958C>T, p.Arg320Trp (NM_001407242.1); c.898C>T, p.Arg300Trp (NM_001407243.1); c.763C>T, p.Arg255Trp (NM_001407245.1); c.580C>T, p.Arg194Trp (NM_001407246.1); short protein forms R319W, R255W, R320W, R194W, R300W, R360W.
Identifiers: ClinVar variation 297697 (VCV000297697.10), dbSNP rs746442570, ClinGen allele CA045207.